The following is an entry in ClinVar:

ClinVar aggregate classification (germline): Uncertain significance. Review status: criteria provided, multiple submitters, no conflicts (2 of 4 stars). 2 submissions from 2 submitters: Uncertain significance (2). Last evaluated 2025-02-18.

Submissions (2):

GeneDx
Classification: Uncertain significance. Last evaluated: 2025-02-18. Review status: criteria provided, single submitter. Criteria: GeneDx Variant Classification Process June 2021. Collection method: clinical testing. Allele origin: germline. Affected: yes.
Comment: In silico analysis indicates that this missense variant does not alter protein structure/function; Has not been previously published as pathogenic or benign to our knowledge

Ambry Genetics
Classification: Uncertain significance. Last evaluated: 2024-10-29. Review status: criteria provided, single submitter. Criteria: Ambry Variant Classification Scheme 2023. Collection method: clinical testing. Allele origin: germline.

NM_015656.2(KIF26A):c.1828G>C (p.Val610Leu)

Gene: KIF26A (kinesin family member 26A; plus strand). Cytogenetic location: 14q32.33.
Variant type: single nucleotide variant.
Coding change: c.1828G>C on transcript NM_015656.2 (MANE Select); coding-DNA position 1828, G replaced by C.
Protein change: p.Val610Leu; replaces valine 610 with leucine.
Molecular consequence: missense variant.
Genome position (GRCh38, 1-based): chr14:104,173,474, G>C. VCF-style: chr14-104173474-G-C. GRCh37 (hg19) VCF-style: chr14-104639811-G-C.
Other names: short protein forms V610L.
Identifiers: ClinVar variation 3534286 (VCV003534286.2).